The following is an entry in ClinVar:

ClinVar aggregate classification (germline): Uncertain significance (1 of 4 stars; one submission).

Conditions:
Hereditary cancer-predisposing syndrome. Also called: Neoplastic Syndromes, Hereditary; Tumor predisposition; Hereditary Cancer Syndrome; Hereditary neoplastic syndrome. Identifiers: Orphanet 140162, MedGen C0027672, MeSH D009386, MONDO:0015356.

Submission:

Ambry Genetics
Classification: Uncertain significance for Hereditary cancer-predisposing syndrome. Last evaluated: 2025-08-07. Review status: criteria provided, single submitter. Criteria: Ambry Variant Classification Scheme 2023. Collection method: clinical testing. Allele origin: germline.
Comment: The p.L382S variant (also known as c.1145T>C), located in coding exon 5 of the BLM gene, results from a T to C substitution at nucleotide position 1145. The leucine at codon 382 is replaced by serine, an amino acid with dissimilar properties. This amino acid position is conserved. In addition, the in silico prediction for this alteration is inconclusive. Based on the available evidence, the clinical significance of this variant remains unclear.

NM_000057.4(BLM):c.1145T>C (p.Leu382Ser)

Gene: BLM (BLM RecQ like helicase; plus strand). Cytogenetic location: 15q26.1.
Variant type: single nucleotide variant.
Coding change: c.1145T>C on transcript NM_000057.4 (MANE Select); coding-DNA position 1145, T replaced by C.
Protein change: p.Leu382Ser; replaces leucine 382 with serine.
Molecular consequence: missense variant.
Genome position (GRCh38, 1-based): chr15:90,760,204, T>C. VCF-style: chr15-90760204-T-C. GRCh37 (hg19) VCF-style: chr15-91303434-T-C.
Other names: c.1145T>C, p.Leu382Ser (NM_001287246.2, NM_001287247.2); c.20T>C, p.Leu7Ser (NM_001287248.2); short protein forms L7S, L382S.
Identifiers: ClinVar variation 4211937 (VCV004211937.1).